The following is an entry in ClinVar:

ClinVar aggregate classification (germline): Likely pathogenic (1 of 4 stars; one submission).

Submission:

Labcorp Genetics (formerly Invitae), Labcorp
Classification: Likely pathogenic. Last evaluated: 2021-05-08. Review status: criteria provided, single submitter. Criteria: Invitae Variant Classification Sherloc (09022015). Collection method: clinical testing. Allele origin: germline.
Comment: In summary, the currently available evidence indicates that the variant is pathogenic, but additional data are needed to prove that conclusively. Therefore, this variant has been classified as Likely Pathogenic. Algorithms developed to predict the effect of sequence changes on RNA splicing suggest that this variant may disrupt the consensus splice site, but this prediction has not been confirmed by published transcriptional studies. This variant has not been reported in the literature in individuals with ABCB11-related conditions. This variant is not present in population databases (ExAC no frequency). This sequence change affects a donor splice site in intron 10 of the ABCB11 gene. It is expected to disrupt RNA splicing. Variants that disrupt the donor or acceptor splice site typically lead to a loss of protein function (PMID: 16199547), and loss-of-function variants in ABCB11 are known to be pathogenic (PMID: 18395098, 20232290).

Literature cited by the submitters: PubMed 16199547; PubMed 18395098; PubMed 20232290.

NM_003742.4(ABCB11):c.1083+2T>C

Gene: ABCB11 (ATP binding cassette subfamily B member 11; minus strand). Cytogenetic location: 2q31.1.
Variant type: single nucleotide variant.
Coding change: c.1083+2T>C on transcript NM_003742.4 (MANE Select); the canonical splice donor site of the intron after coding-DNA position 1083, T replaced by C.
Molecular consequence: splice donor variant.
Genome position (GRCh38, 1-based): chr2:168,986,108, A>G on the plus strand (T>C on the coding strand, the complement: ABCB11 is on the minus strand). VCF-style: chr2-168986108-A-G. GRCh37 (hg19) VCF-style: chr2-169842618-A-G.
Identifiers: ClinVar variation 1464943 (VCV001464943.8), dbSNP rs2105996078, ClinGen allele CA349123777.